The following is an entry in ClinVar:

NM_000138.5(FBN1):c.3978T>G (p.Cys1326Trp)

Gene: FBN1 (fibrillin 1; minus strand). Cytogenetic location: 15q21.1.
Variant type: single nucleotide variant.
Coding change: c.3978T>G on transcript NM_000138.5 (MANE Select); coding-DNA position 3978, T replaced by G.
Protein change: p.Cys1326Trp; replaces cysteine 1326 with tryptophan.
Molecular consequence: missense variant.
Genome position (GRCh38, 1-based): chr15:48,474,637, A>C on the plus strand (T>G on the coding strand, the complement: FBN1 is on the minus strand). VCF-style: chr15-48474637-A-C. GRCh37 (hg19) VCF-style: chr15-48766834-A-C.
Other names: c.3978T>G, p.Cys1326Trp (NM_001406716.1); short protein forms C1326W.
Identifiers: ClinVar variation 3600505 (VCV003600505.1).

ClinVar aggregate classification (germline): Likely pathogenic (1 of 4 stars; one submission).

Conditions:
Marfan syndrome (MFS). Also called: MARFAN SYNDROME, TYPE I; Marfan syndrome type 1; Marfan's syndrome; FBN1-Related Marfan Syndrome; Marfan syndrome, classic. Identifiers: Orphanet 284963, Orphanet 558, MedGen C0024796, MONDO:0007947, OMIM 154700.

Submission:

Clinical Genomics Laboratory, Washington University in St. Louis
Classification: Likely pathogenic for Marfan syndrome. Last evaluated: 2024-07-10. Review status: criteria provided, single submitter. Criteria: ACMG Guidelines, 2015. Collection method: clinical testing. Allele origin: germline. Affected: yes.
Comment: A FBN1 c.3978T>G (p.Cys1326Trp) variant, to our knowledge, has not been reported in the medical literature. This variant is absent from the general population (gnomAD v.2.1.1), indicating it is not a common variant. This variant affects cysteine residue within the epidermal growth factor (EGF)-like domain of FBN1 that is defined as a critical functional domain (Collod-Béroud G et al., PMID: 12938084; Schrijver I et al., PMID: 10486319). Computational predictors indicate that the variant is damaging, evidence that correlates with impact to FBN1 function. Another variants in the same codon, c.3977G>A (p.Cys1326Tyr) and c.3976T>C (p.Cys1326Arg), have been reported as likely pathogenic and pathogenic, respectively (ClinVar Variation IDs: 432123 and 2137695). Based on available information and the ACMG/AMP guidelines for variant interpretation (Richards S et al., PMID: 25741868) and gene-specific practices from the ClinGen Criteria Specification Registry, this variant is classified as likely pathogenic.